The following is an entry in ClinVar:

NM_203288.2(RP9):c.206A>T (p.Asp69Val)

Gene: RP9 (RP9 pre-mRNA splicing factor; minus strand). Cytogenetic location: 7p14.3.
Variant type: single nucleotide variant.
Coding change: c.206A>T on transcript NM_203288.2 (MANE Select); coding-DNA position 206, A replaced by T.
Protein change: p.Asp69Val; replaces aspartic acid 69 with valine.
Molecular consequence: missense variant.
Genome position (GRCh38, 1-based): chr7:33,099,414, T>A on the plus strand (A>T on the coding strand, the complement: RP9 is on the minus strand). VCF-style: chr7-33099414-T-A. GRCh37 (hg19) VCF-style: chr7-33139026-T-A.
Other names: short protein forms D69V.
Identifiers: ClinVar variation 872217 (VCV000872217.45), dbSNP rs1788393558, ClinGen allele CA367183484.

ClinVar aggregate classification (germline): Uncertain significance. Review status: criteria provided, multiple submitters, no conflicts (2 of 4 stars). 2 submissions from 2 submitters: Uncertain significance (2). Last evaluated 2022-03-13.

Allele frequency attached by ClinVar (database versions not stated): TOPMed below 0.00001; gnomAD 0.00001; gnomAD exomes below 0.00001.
gnomAD v4.1: 7 of 1,613,376 alleles (0.00043%); highest among the groups gnomAD compares: Non-Finnish European, 0.00059%; no homozygotes.

Submissions (2):

Labcorp Genetics (formerly Invitae), Labcorp
Classification: Uncertain significance. Last evaluated: 2022-03-13. Review status: criteria provided, single submitter. Criteria: Invitae Variant Classification Sherloc (09022015). Collection method: clinical testing. Allele origin: germline.
Comment: In summary, the available evidence is currently insufficient to determine the role of this variant in disease. Therefore, it has been classified as a Variant of Uncertain Significance. Algorithms developed to predict the effect of missense changes on protein structure and function are either unavailable or do not agree on the potential impact of this missense change (SIFT: "Tolerated"; PolyPhen-2: "Probably Damaging"; Align-GVGD: "Class C0"). ClinVar contains an entry for this variant (Variation ID: 872217). This variant has not been reported in the literature in individuals affected with RP9-related conditions. This variant is not present in population databases (gnomAD no frequency). This sequence change replaces aspartic acid, which is acidic and polar, with valine, which is neutral and non-polar, at codon 69 of the RP9 protein (p.Asp69Val).

CeGaT Center for Human Genetics Tuebingen
Classification: Uncertain significance. Last evaluated: 2019-07-01. Review status: criteria provided, single submitter. Criteria: CeGaT Center For Human Genetics Tuebingen Variant Classification Criteria Version 2. Collection method: clinical testing. Allele origin: germline. Affected: yes. Observed: 1 variant allele.